The following is an entry in ClinVar:

ClinVar aggregate classification (germline): Pathogenic (1 of 4 stars; one submission).

Submission:

ISCA site 4
Classification: Pathogenic. Last evaluated: 2011-08-12. Review status: criteria provided, single submitter. Criteria: Kaminsky et al. (Genet Med. 2011). Collection method: clinical testing. Allele origin: unknown. Affected: yes. Observed: 1 variant allele.
Comment: Copy number variation identified through the course of routine clinical cytogenomic testing in postnatal populations. Clinical assertions have been curated as described in Kaminsky et al. 2011.

GRCh38/hg38 8p12-11.21(chr8:34312250-43158901)x1

Genes: ADAM18 (ADAM metallopeptidase domain 18; plus strand), ADAM2 (ADAM metallopeptidase domain 2; minus strand), ADAM32 (ADAM metallopeptidase domain 32; plus strand), ADAM9 (ADAM metallopeptidase domain 9; plus strand), ADGRA2 (adhesion G protein-coupled receptor A2; plus strand) and 272 more. Cytogenetic location: 8p12-11.21.
Variant type: copy number loss.
Change: copy number 1 (one copy instead of two) of chr8:34,312,250-43,158,901 (8.85 Mb, GRCh38 coordinates, 1-based), cytogenetic band 8p12-11.21.
Identifiers: ClinVar variation 57114 (VCV000057114.1).